The following is an entry in ClinVar:

NM_001142800.2(EYS):c.5462C>T (p.Thr1821Ile)

Gene: EYS (EGF-like photoreceptor maintenance factor; minus strand). Cytogenetic location: 6q12.
Variant type: single nucleotide variant.
Coding change: c.5462C>T on transcript NM_001142800.2 (MANE Select); coding-DNA position 5462, C replaced by T.
Protein change: p.Thr1821Ile; replaces threonine 1821 with isoleucine.
Molecular consequence: missense variant.
Genome position (GRCh38, 1-based): chr6:64,590,405, G>A on the plus strand (C>T on the coding strand, the complement: EYS is on the minus strand). VCF-style: chr6-64590405-G-A. GRCh37 (hg19) VCF-style: chr6-65300298-G-A.
Other names: c.5462C>T, p.Thr1821Ile (NM_001292009.2); short protein forms T1821I.
Identifiers: ClinVar variation 952045 (VCV000952045.7), dbSNP rs776654329, ClinGen allele CA3877014.

ClinVar aggregate classification (germline): Conflicting classifications of pathogenicity. Review status: criteria provided, conflicting classifications (1 of 4 stars). 4 submissions from 4 submitters: Uncertain significance (2); Likely benign (1). 1 of the submissions does not count toward it. Last evaluated 2025-12-05.

Conditions:
Inborn genetic diseases. Identifiers: MedGen C0950123, MeSH D030342.
EYS-related disorder. Also called: EYS-related condition.
Retinitis pigmentosa 25 (RP25). Identifiers: Orphanet 791, MedGen C1864446, MONDO:0011272, OMIM 602772.

Allele frequency attached by ClinVar (database versions not stated): gnomAD exomes 0.00001 and 0.00004; TOPMed 0.00001; ExAC 0.00005.
gnomAD v4.1: 15 of 1,551,336 alleles (0.00097%); highest among the groups gnomAD compares: Admixed American, 0.012%; no homozygotes.

Submissions (4):

PreventionGenetics, part of Exact Sciences
Classification: Uncertain significance for EYS-related condition. Last evaluated: 2025-12-05. Review status: criteria provided, single submitter. Criteria: ACMG Guidelines, 2015. Collection method: clinical testing. Allele origin: germline.
Comment: The EYS c.5462C>T variant is predicted to result in the amino acid substitution p.Thr1821Ile. To our knowledge, this variant has not been reported in the literature. This variant is reported in 0.020% of alleles in individuals of Latino descent in gnomAD. At this time, the clinical significance of this variant is uncertain due to the absence of conclusive functional and genetic evidence.

Ambry Genetics
Classification: Likely benign for Inborn genetic diseases. Last evaluated: 2024-07-27. Review status: criteria provided, single submitter. Criteria: Ambry Variant Classification Scheme 2023. Collection method: clinical testing. Allele origin: germline.

Labcorp Genetics (formerly Invitae), Labcorp
Classification: Uncertain significance. Last evaluated: 2022-07-06. Review status: criteria provided, single submitter. Criteria: Invitae Variant Classification Sherloc (09022015). Collection method: clinical testing. Allele origin: germline.
Comment: This sequence change replaces threonine, which is neutral and polar, with isoleucine, which is neutral and non-polar, at codon 1821 of the EYS protein (p.Thr1821Ile). This variant is present in population databases (rs776654329, gnomAD 0.02%). This variant has not been reported in the literature in individuals affected with EYS-related conditions. ClinVar contains an entry for this variant (Variation ID: 952045). Algorithms developed to predict the effect of missense changes on protein structure and function output the following: SIFT: "Tolerated"; PolyPhen-2: "Benign"; Align-GVGD: "Class C0". The isoleucine amino acid residue is found in multiple mammalian species, which suggests that this missense change does not adversely affect protein function. In summary, the available evidence is currently insufficient to determine the role of this variant in disease. Therefore, it has been classified as a Variant of Uncertain Significance.

Natera, Inc.
Classification: Uncertain significance for Retinitis pigmentosa type 25. Last evaluated: 2021-04-21. Review status: no assertion criteria provided. Collection method: clinical testing. Allele origin: germline. Not counted in ClinVar's aggregate classification.